The following is an entry in ClinVar:

NM_015175.3(NBEAL2):c.1562A>G (p.Gln521Arg)

Gene: NBEAL2 (neurobeachin like 2; plus strand). Cytogenetic location: 3p21.31.
Variant type: single nucleotide variant.
Coding change: c.1562A>G on transcript NM_015175.3 (MANE Select); coding-DNA position 1562, A replaced by G.
Protein change: p.Gln521Arg; replaces glutamine 521 with arginine.
Molecular consequence: missense variant.
Genome position (GRCh38, 1-based): chr3:46,995,297, A>G. VCF-style: chr3-46995297-A-G. GRCh37 (hg19) VCF-style: chr3-47036787-A-G.
Other names: p.Gln521Arg; c.1460A>G, p.Gln487Arg (NM_001365116.2); short protein forms Q521R, Q487R.
Identifiers: ClinVar variation 4540861 (VCV004540861.1).
Genomic context (GRCh38, chr3:46,995,297, plus strand): 5'-CACTCAGCACAGGGCTAGCCCTGGAGGCCCGCTGCCAAGAGCAGCTGCTGGCACTGCTAC[A>G]AGCACTGGGCCGTGTATCAATAAGGCCCATGGAGCTGCGTCACCTGCTGCGCCCCCGGCC-3'
Protein context (NP_055990.1, residues 511-531): RCQEQLLALL[Gln521Arg]ALGRVSIRPM

ClinVar aggregate classification (germline): Uncertain significance (1 of 4 stars; one submission).

gnomAD v4.1: 1 of 1,575,332 alleles (0.000063%); highest among the groups gnomAD compares: Non-Finnish European, 0.000086%; no homozygotes.

Submission:

Mayo Clinic Laboratories, Mayo Clinic
Classification: Uncertain significance. Last evaluated: 2025-10-07. Review status: criteria provided, single submitter. Criteria: ACMG Guidelines, 2015. Collection method: clinical testing. Allele origin: germline. Observed: 1 variant allele.
Comment: BP4_moderate, PM2_supporting